The following is an entry in ClinVar:

NM_001206744.2(TPO):c.1728G>A (p.Ala576=)

Genes: LALTOP (lung cancer associated lncRNA targeting TOP2A; minus strand), TPO (thyroid peroxidase; plus strand). Cytogenetic location: 2p25.3.
Variant type: single nucleotide variant.
Coding change: c.1728G>A on transcript NM_001206744.2 (MANE Select); coding-DNA position 1728, G replaced by A.
Protein change: p.Ala576=; no amino-acid change (alanine 576 retained).
Molecular consequence: synonymous variant. On other transcripts: intron variant (2).
Genome position (GRCh38, 1-based): chr2:1,487,951, G>A. VCF-style: chr2-1487951-G-A. GRCh37 (hg19) VCF-style: chr2-1491723-G-A.
Other names: c.1728G>A, p.Ala576= (NM_000547.6, NM_175721.3); c.1209G>A, p.Ala403= (NM_175722.3); c.1597+3097G>A (NM_175719.4, NM_001206745.2).
Identifiers: ClinVar variation 331325 (VCV000331325.10), dbSNP rs78406347, ClinGen allele CA1511819.

ClinVar aggregate classification (germline): Benign. Review status: criteria provided, multiple submitters, no conflicts (2 of 4 stars). 4 submissions from 4 submitters: Benign (4). Last evaluated 2026-05-11.

Conditions:
Deficiency of iodide peroxidase (TDH2A). Also called: Thyroid dyshormonogenesis 2A; HYPOTHYROIDISM, CONGENITAL, DUE TO DYSHORMONOGENESIS, 2A; IODIDE PEROXIDASE DEFICIENCY; THYROID HORMONOGENESIS, GENETIC DEFECT IN, 2A; THYROID PEROXIDASE DEFICIENCY. Identifiers: Orphanet 95716, MedGen C1291299, MONDO:0010133, OMIM 274500.

Allele frequency attached by ClinVar (database versions not stated): ESP Exome Variant Server 0.00492; gnomAD 0.00702 and 0.01102; 1000 Genomes Project 0.04273; TOPMed 0.00936; gnomAD exomes 0.02174 and 0.01276; ExAC 0.02305; 1000 Genomes Project 30x 0.04060.
gnomAD v4.1: 20,662 of 1,613,894 alleles (1.3%); highest among the groups gnomAD compares: East Asian, 11%; 687 homozygotes.

Submissions (4):

Women's Health and Genetics/Laboratory Corporation of America, LabCorp
Classification: Benign. Last evaluated: 2026-05-11. Review status: criteria provided, single submitter. Criteria: LabCorp Variant Classification Summary - May 2015. Collection method: clinical testing. Allele origin: germline.

Labcorp Genetics (formerly Invitae), Labcorp
Classification: Benign. Last evaluated: 2026-02-04. Review status: criteria provided, single submitter. Criteria: Invitae Variant Classification Sherloc (09022015). Collection method: clinical testing. Allele origin: germline.

Illumina Laboratory Services, Illumina
Classification: Benign for Deficiency of iodide peroxidase. Last evaluated: 2018-01-12. Review status: criteria provided, single submitter. Criteria: ICSL Variant Classification Criteria 13 December 2019. Collection method: clinical testing. Allele origin: germline.
Comment: This variant was observed in the ICSL laboratory as part of a predisposition screen in an ostensibly healthy population. It had not been previously curated by ICSL or reported in the Human Gene Mutation Database (HGMD: prior to June 1st, 2018), and was therefore a candidate for classification through an automated scoring system. Utilizing variant allele frequency, disease prevalence and penetrance estimates, and inheritance mode, an automated score was calculated to assess if this variant is too frequent to cause the disease. Based on the score and internal cut-off values, a variant classified as benign is not then subjected to further curation. The score for this variant resulted in a classification of benign for this disease.

Breakthrough Genomics
Classification: Benign. Review status: criteria provided, single submitter. Criteria: ACMG Guidelines, 2015. Collection method: not provided. Allele origin: germline. Inheritance: Autosomal recessive inheritance. Affected: yes.